The following is an entry in ClinVar:

ClinVar aggregate classification (germline): Conflicting classifications of pathogenicity. Review status: criteria provided, conflicting classifications (1 of 4 stars). 2 submissions from 2 submitters: Uncertain significance (1); Likely benign (1). Last evaluated 2024-05-14.

Allele frequency attached by ClinVar (database versions not stated): TOPMed 0.00001.
gnomAD v4.1: 6 of 1,596,838 alleles (0.00038%); highest among the groups gnomAD compares: South Asian, 0.0022%; no homozygotes.

Submissions (2):

Ambry Genetics
Classification: Likely benign. Last evaluated: 2024-05-14. Review status: criteria provided, single submitter. Criteria: Ambry Variant Classification Scheme 2023. Collection method: clinical testing. Allele origin: germline.

Labcorp Genetics (formerly Invitae), Labcorp
Classification: Uncertain significance. Last evaluated: 2020-09-09. Review status: criteria provided, single submitter. Criteria: Invitae Variant Classification Sherloc (09022015). Collection method: clinical testing. Allele origin: germline.
Comment: Algorithms developed to predict the effect of missense changes on protein structure and function are either unavailable or do not agree on the potential impact of this missense change (SIFT: "Deleterious"; PolyPhen-2: "Possibly Damaging"; Align-GVGD: "Class C15"). In summary, the available evidence is currently insufficient to determine the role of this variant in disease. Therefore, it has been classified as a Variant of Uncertain Significance. This variant has not been reported in the literature in individuals with RINT1-related conditions. This variant is present in population databases (rs774464035, ExAC 0.006%). This sequence change replaces threonine with arginine at codon 94 of the RINT1 protein (p.Thr94Arg). The threonine residue is highly conserved and there is a moderate physicochemical difference between threonine and arginine.

NM_021930.6(RINT1):c.281C>G (p.Thr94Arg)

Gene: RINT1 (RAD50 interactor 1; plus strand). Cytogenetic location: 7q22.3.
Variant type: single nucleotide variant.
Coding change: c.281C>G on transcript NM_021930.6 (MANE Select); coding-DNA position 281, C replaced by G.
Protein change: p.Thr94Arg; replaces threonine 94 with arginine.
Molecular consequence: missense variant. On other transcripts: 5 prime UTR variant (3), non-coding transcript variant (1).
Genome position (GRCh38, 1-based): chr7:105,542,415, C>G. VCF-style: chr7-105542415-C-G. GRCh37 (hg19) VCF-style: chr7-105182862-C-G.
Other names: c.281C>G (NM_021930.4); c.47C>G, p.Thr16Arg (NM_001346599.2); c.-739C>G (NM_001346600.2); c.-642C>G (NM_001346601.2); c.-262C>G (NM_001346603.2); short protein forms T94R, T16R.
Identifiers: ClinVar variation 1038205 (VCV001038205.9), dbSNP rs774464035, ClinGen allele CA4426396.